The following is an entry in ClinVar:

NM_006648.4(WNK2):c.1790A>G (p.His597Arg)

Gene: WNK2 (WNK lysine deficient protein kinase 2; plus strand). Cytogenetic location: 9q22.31.
Variant type: single nucleotide variant.
Coding change: c.1790A>G on transcript NM_006648.4 (MANE Select); coding-DNA position 1790, A replaced by G.
Protein change: p.His597Arg; replaces histidine 597 with arginine.
Molecular consequence: missense variant.
Genome position (GRCh38, 1-based): chr9:93,247,790, A>G. VCF-style: chr9-93247790-A-G. GRCh37 (hg19) VCF-style: chr9-96010072-A-G.
Other names: c.1790A>G, p.His597Arg (NM_001282394.3); short protein forms H597R.
Identifiers: ClinVar variation 2551341 (VCV002551341.3), dbSNP rs2539846393, ClinGen allele CA374068348.

ClinVar aggregate classification (germline): Uncertain significance (1 of 4 stars; one submission).

Allele frequency attached by ClinVar (database versions not stated): gnomAD exomes below 0.00001.
gnomAD v4.1: 3 of 1,545,602 alleles (0.00019%); highest among the groups gnomAD compares: Non-Finnish European, 0.00026%; no homozygotes.

Submission:

Ambry Genetics
Classification: Uncertain significance. Last evaluated: 2026-01-20. Review status: criteria provided, single submitter. Criteria: Ambry Variant Classification Scheme 2023. Collection method: clinical testing. Allele origin: germline.
Comment: The p.H597R variant (also known as c.1790A>G), located in coding exon 7 of the WNK2 gene, results from an A to G substitution at nucleotide position 1790. The histidine at codon 597 is replaced by arginine, an amino acid with highly similar properties. This amino acid position is conserved. In addition, the in silico prediction for this alteration is inconclusive. Based on the available evidence, the clinical significance of this variant remains unclear.